The following is an entry in ClinVar:

ClinVar aggregate classification (germline): Uncertain significance (1 of 4 stars; one submission).

Allele frequency attached by ClinVar (database versions not stated): gnomAD exomes below 0.00001; TOPMed below 0.00001; gnomAD 0.00001.
gnomAD v4.1: 7 of 1,543,834 alleles (0.00045%); highest among the groups gnomAD compares: Admixed American, 0.0058%; no homozygotes.

Submission:

Labcorp Genetics (formerly Invitae), Labcorp
Classification: Uncertain significance. Last evaluated: 2022-10-08. Review status: criteria provided, single submitter. Criteria: Invitae Variant Classification Sherloc (09022015). Collection method: clinical testing. Allele origin: germline.
Comment: In summary, the available evidence is currently insufficient to determine the role of this variant in disease. Therefore, it has been classified as a Variant of Uncertain Significance. Variants that disrupt the consensus splice site are a relatively common cause of aberrant splicing (PMID: 17576681, 9536098). Algorithms developed to predict the effect of sequence changes on RNA splicing suggest that this variant is not likely to affect RNA splicing. This variant has not been reported in the literature in individuals affected with DOCK6-related conditions. The frequency data for this variant in the population databases is considered unreliable, as metrics indicate poor data quality at this position in the gnomAD database. This sequence change falls in intron 20 of the DOCK6 gene. It does not directly change the encoded amino acid sequence of the DOCK6 protein. It affects a nucleotide within the consensus splice site.

Literature cited by the submitters: PubMed 17576681; PubMed 9536098.

NM_020812.4(DOCK6):c.2392+5G>A

Gene: DOCK6 (dedicator of cytokinesis 6; minus strand). Cytogenetic location: 19p13.2.
Variant type: single nucleotide variant.
Coding change: c.2392+5G>A on transcript NM_020812.4 (MANE Select); 5 bases into the intron after coding-DNA position 2392, G replaced by A.
Molecular consequence: intron variant.
Genome position (GRCh38, 1-based): chr19:11,236,341, C>T on the plus strand (G>A on the coding strand, the complement: DOCK6 is on the minus strand). VCF-style: chr19-11236341-C-T. GRCh37 (hg19) VCF-style: chr19-11347017-C-T.
Other names: c.2392+5G>A (NM_001367830.1).
Identifiers: ClinVar variation 1898770 (VCV001898770.4), dbSNP rs772138516, ClinGen allele CA305331824.